The following is an entry in ClinVar:

ClinVar aggregate classification (germline): Uncertain significance. Review status: criteria provided, multiple submitters, no conflicts (2 of 4 stars). 3 submissions from 3 submitters: Uncertain significance (3). Last evaluated 2025-11-20.

Conditions:
Familial acute necrotizing encephalopathy (IIAE3). Also called: Susceptibility to Acute Necrotizing Encephalopathy 1; ENCEPHALOPATHY, ACUTE, INFECTION-INDUCED, SUSCEPTIBILITY TO, 3. Identifiers: Orphanet 88619, MedGen C2675556, MONDO:0011953, OMIM 608033.

Allele frequency attached by ClinVar (database versions not stated): ExAC 0.00001; gnomAD 0.00001 and 0.00002; TOPMed 0.00002; 1000 Genomes Project 30x 0.00016; 1000 Genomes Project 0.00020.
gnomAD v4.1: 14 of 1,611,934 alleles (0.00087%); highest among the groups gnomAD compares: African/African-American, 0.0027%; no homozygotes.

Submissions (3):

Ambry Genetics
Classification: Uncertain significance. Last evaluated: 2025-11-20. Review status: criteria provided, single submitter. Criteria: Ambry Variant Classification Scheme 2023. Collection method: clinical testing. Allele origin: germline.

Labcorp Genetics (formerly Invitae), Labcorp
Classification: Uncertain significance for Familial acute necrotizing encephalopathy. Last evaluated: 2018-08-20. Review status: criteria provided, single submitter. Criteria: Invitae Variant Classification Sherloc (09022015). Collection method: clinical testing. Allele origin: germline.
Comment: This variant has not been reported in the literature in individuals with RANBP2-related disease. In summary, the available evidence is currently insufficient to determine the role of this variant in disease. Therefore, it has been classified as a Variant of Uncertain Significance. Algorithms developed to predict the effect of sequence changes on RNA splicing suggest that this variant may create or strengthen a splice site, but this prediction has not been confirmed by published transcriptional studies. Algorithms developed to predict the effect of missense changes on protein structure and function (SIFT, PolyPhen-2, Align-GVGD) all suggest that this variant is likely to be disruptive, but these predictions have not been confirmed by published functional studies and their clinical significance is uncertain. This variant is present in population databases (rs545733728, ExAC 0.002%). This sequence change replaces arginine with glutamine at codon 2039 of the RANBP2 protein (p.Arg2039Gln). The arginine residue is highly conserved and there is a small physicochemical difference between arginine and glutamine.

Breakthrough Genomics
Classification: Uncertain significance. Review status: criteria provided, single submitter. Criteria: ACMG Guidelines, 2015. Collection method: not provided. Allele origin: germline. Inheritance: Autosomal dominant inheritance. Affected: yes.

NM_006267.5(RANBP2):c.6116G>A (p.Arg2039Gln)

Gene: RANBP2 (RAN binding protein 2; plus strand). Cytogenetic location: 2q13.
Variant type: single nucleotide variant.
Coding change: c.6116G>A on transcript NM_006267.5 (MANE Select); coding-DNA position 6116, G replaced by A.
Protein change: p.Arg2039Gln; replaces arginine 2039 with glutamine.
Molecular consequence: missense variant.
Genome position (GRCh38, 1-based): chr2:108,766,655, G>A. VCF-style: chr2-108766655-G-A. GRCh37 (hg19) VCF-style: chr2-109383111-G-A.
Other names: short protein forms R2039Q.
Identifiers: ClinVar variation 664191 (VCV000664191.12), dbSNP rs545733728, ClinGen allele CA1823399.